The following is an entry in ClinVar:

NM_001206927.2(DNAH8):c.4853G>A (p.Cys1618Tyr)

Gene: DNAH8 (dynein axonemal heavy chain 8; plus strand). Cytogenetic location: 6p21.2.
Variant type: single nucleotide variant.
Coding change: c.4853G>A on transcript NM_001206927.2 (MANE Select); coding-DNA position 4853, G replaced by A.
Protein change: p.Cys1618Tyr; replaces cysteine 1618 with tyrosine.
Molecular consequence: missense variant.
Genome position (GRCh38, 1-based): chr6:38,845,581, G>A. VCF-style: chr6-38845581-G-A. GRCh37 (hg19) VCF-style: chr6-38813357-G-A.
Other names: c.4202G>A, p.Cys1401Tyr (NM_001371.4); short protein forms C1401Y, C1618Y.
Identifiers: ClinVar variation 4084913 (VCV004084913.8).
Genomic context (GRCh38, chr6:38,845,581, plus strand): 5'-ACTTAATTTGTAGTTGAAAACATCATGACATATACTTTGCTTTTCCTTCAAAGGATATTT[G>A]CATATCTGCCATTAAGGAGAAGGATATCGAAGCCAAGCTGACTCAGGTGATTGAGAATTG-3'
Protein context (NP_001193856.1, residues 1608-1628): LKHKDDIEDI[Cys1618Tyr]ISAIKEKDIE

ClinVar aggregate classification (germline): Uncertain significance (1 of 4 stars; one submission).

gnomAD v4.1: 4 of 1,612,908 alleles (0.00025%); highest among the groups gnomAD compares: Non-Finnish European, 0.00025%; no homozygotes.

Submission:

CeGaT Center for Human Genetics Tuebingen
Classification: Uncertain significance. Last evaluated: 2025-08-01. Review status: criteria provided, single submitter. Criteria: CeGaT Center For Human Genetics Tuebingen Variant Classification Criteria Version 2. Collection method: clinical testing. Allele origin: germline. Affected: yes. Observed: 1 variant allele.
Comment: DNAH8: PM2, PP3